The following is an entry in ClinVar:

NM_000020.3(ACVRL1):c.1465C>A (p.Leu489Ile)

Gene: ACVRL1 (activin A receptor like type 1; plus strand). Cytogenetic location: 12q13.13.
Variant type: single nucleotide variant.
Coding change: c.1465C>A on transcript NM_000020.3 (MANE Select); coding-DNA position 1465, C replaced by A.
Protein change: p.Leu489Ile; replaces leucine 489 with isoleucine.
Molecular consequence: missense variant.
Genome position (GRCh38, 1-based): chr12:51,920,846, C>A. VCF-style: chr12-51920846-C-A. GRCh37 (hg19) VCF-style: chr12-52314630-C-A.
Other names: c.1465C>A, p.Leu489Ile (NM_001077401.2); short protein forms L489I.
Identifiers: ClinVar variation 952896 (VCV000952896.9), dbSNP rs1940959903, ClinGen allele CA384906000.

ClinVar aggregate classification (germline): Uncertain significance (1 of 4 stars; one submission).

Conditions:
Telangiectasia, hereditary hemorrhagic, type 2 (HHT2). Also called: ACVRL1-Related Hereditary Hemorrhagic Telangiectasia; Telangiectasia, hereditary hemorrhagic, type II. Identifiers: Orphanet 774, MedGen C1838163, MONDO:0010880, OMIM 600376. Disease mechanism: loss of function.

Submission:

Labcorp Genetics (formerly Invitae), Labcorp
Classification: Uncertain significance for Telangiectasia, hereditary hemorrhagic, type 2. Last evaluated: 2019-05-27. Review status: criteria provided, single submitter. Criteria: Invitae Variant Classification Sherloc (09022015). Collection method: clinical testing. Allele origin: germline.
Comment: This sequence change replaces leucine with isoleucine at codon 489 of the ACVRL1 protein (p.Leu489Ile). The leucine residue is highly conserved and there is a small physicochemical difference between leucine and isoleucine. This variant is not present in population databases (ExAC no frequency). This variant has been observed in an individual with clinical features of hereditary hemorrhagic telangiectasia (Invitae). Algorithms developed to predict the effect of missense changes on protein structure and function are either unavailable or do not agree on the potential impact of this missense change (SIFT: "Deleterious"; PolyPhen-2: "Probably Damaging"; Align-GVGD: "Class C0"). In summary, the available evidence is currently insufficient to determine the role of this variant in disease. Therefore, it has been classified as a Variant of Uncertain Significance.